The following is an entry in ClinVar:

ClinVar aggregate classification (germline): not provided (0 of 4 stars; one submission).

Allele frequency attached by ClinVar (database versions not stated): 1000 Genomes Project 30x 0.00156; gnomAD exomes 0.00015 and 0.00023; gnomAD 0.00089 and 0.00096; ExAC 0.00105; TOPMed 0.00115; 1000 Genomes Project 0.00140.

Submission:

ITMI
No classification provided. Condition: AllHighlyPenetrant. Last evaluated: 2013-09-19. Review status: no classification provided. Collection method: reference population. Allele origin: germline.
Comment: Please see associated publication for description of ethnicities

Literature cited by the submitters: PubMed 24728327.

NM_000400.4(ERCC2):c.1119-194C>T

Gene: ERCC2 (ERCC excision repair 2, TFIIH core complex helicase subunit; minus strand). Cytogenetic location: 19q13.32.
Variant type: single nucleotide variant.
Coding change: c.1119-194C>T on transcript NM_000400.4 (MANE Select); 194 bases into the intron before coding-DNA position 1119, C replaced by T.
Molecular consequence: intron variant.
Genome position (GRCh38, 1-based): chr19:45,361,836, G>A on the plus strand (C>T on the coding strand, the complement: ERCC2 is on the minus strand). VCF-style: chr19-45361836-G-A. GRCh37 (hg19) VCF-style: chr19-45865094-G-A.
Other names: c.1047-194C>T (NM_001130867.2).
Identifiers: ClinVar variation 135533 (VCV000135533.1), dbSNP rs139596759, ClinGen allele CA162990.